The following is an entry in ClinVar:

ClinVar aggregate classification (germline): Pathogenic. Review status: criteria provided, single submitter (1 of 4 stars). 2 submissions from 2 submitters: Pathogenic (1). 1 of the submissions does not count toward it. Last evaluated 2014-01-01.

Conditions:
Allan-Herndon-Dudley syndrome (AHDS). Also called: T3 RESISTANCE; TRIIODOTHYRONINE RESISTANCE; ALLAN-HERNDON SYNDROME; MENTAL RETARDATION AND MUSCULAR ATROPHY; Passos-Bueno syndrome. Identifiers: Orphanet 59, MedGen C0795889, MONDO:0010354, OMIM 300523.

Allele frequency attached by ClinVar (database versions not stated): gnomAD exomes below 0.00001.
gnomAD v4.1: 1 of 1,211,445 alleles (0.000083%); no homozygotes.

Submissions (3):

Equipe Genetique des Anomalies du Developpement, Université de Bourgogne
Classification: Pathogenic for Allan-Herndon-Dudley syndrome. Last evaluated: 2014-01-01. Review status: criteria provided, single submitter. Criteria: ACMG Guidelines, 2007. Collection method: clinical testing. Allele origin: inherited. Affected: yes.

Solve-RD Consortium
Classification: Likely pathogenic for Allan-Herndon-Dudley syndrome. Last evaluated: 2022-06-01. Review status: no assertion criteria provided. Collection method: provider interpretation. Allele origin: inherited. Affected: yes. Not counted in ClinVar's aggregate classification.
Comment: Variant confirmed as disease-causing by referring clinical team

Variant identified during reanalysis of unsolved cases by the Solve-RD project. The Solve-RD project has received funding from the European Union’s Horizon 2020 research and innovation programme under grant agreement No 779257.

Dr. Peter K. Rogan Lab, Western University
No classification provided (evidence only). Condition: Thyroid cancer, nonmedullary, 1. Review status: no classification provided. Collection method: in vitro. Allele origin: not applicable. Functional consequence: retained intron. Not counted in ClinVar's aggregate classification.

Literature cited by the submitters: PubMed 39825153 (cited by Solve-RD Consortium).

NM_006517.5(SLC16A2):c.439G>A (p.Gly147Arg)

Gene: SLC16A2 (solute carrier family 16 member 2; plus strand). Cytogenetic location: Xq13.2.
Variant type: single nucleotide variant.
Coding change: c.439G>A on transcript NM_006517.5 (MANE Select); coding-DNA position 439, G replaced by A.
Protein change: p.Gly147Arg; replaces glycine 147 with arginine.
Molecular consequence: missense variant.
Genome position (GRCh38, 1-based): chrX:74,520,998, G>A. VCF-style: chrX-74520998-G-A. GRCh37 (hg19) VCF-style: chrX-73740833-G-A.
Other names: NC_000023.10:g.73740833G>A; short protein forms G147R.
Identifiers: ClinVar variation 666343 (VCV000666343.3), dbSNP rs1602140936, ClinGen allele CA413656522.